The following is an entry in ClinVar:

ClinVar aggregate classification (germline): Conflicting classifications of pathogenicity. Review status: criteria provided, conflicting classifications (1 of 4 stars). 5 submissions from 5 submitters: Uncertain significance (1); Likely benign (3). 1 of the submissions does not count toward it. Last evaluated 2026-01-04.

Conditions:
TUBA1A-related disorder. Also called: TUBA1A-related condition.

Allele frequency attached by ClinVar (database versions not stated): ExAC 0.00068.

Submissions (5):

Labcorp Genetics (formerly Invitae), Labcorp
Classification: Likely benign. Last evaluated: 2026-01-04. Review status: criteria provided, single submitter. Criteria: Invitae Variant Classification Sherloc (09022015). Collection method: clinical testing. Allele origin: germline.

Blueprint Genetics
Classification: Likely benign. Last evaluated: 2024-11-27. Review status: criteria provided, single submitter. Criteria: ACMG Guidelines, 2015. Collection method: clinical testing. Allele origin: germline.

GeneDx
Classification: Likely benign. Last evaluated: 2021-04-17. Review status: criteria provided, single submitter. Criteria: GeneDx Variant Classification Process June 2021. Collection method: clinical testing. Allele origin: germline. Affected: yes.

Genetic Services Laboratory, University of Chicago
Classification: Uncertain significance. Last evaluated: 2015-05-28. Review status: criteria provided, single submitter. Criteria: ACMG Guidelines, 2015. Collection method: clinical testing. Allele origin: germline.

PreventionGenetics, part of Exact Sciences
Classification: Likely benign for TUBA1A-related condition. Last evaluated: 2019-03-22. Review status: no assertion criteria provided. Collection method: clinical testing. Allele origin: germline. Not counted in ClinVar's aggregate classification.
Comment: This variant is classified as likely benign based on ACMG/AMP sequence variant interpretation guidelines (Richards et al. 2015 PMID: 25741868, with internal and published modifications).

NM_006009.4(TUBA1A):c.273A>G (p.Gln91=)

Gene: TUBA1A (tubulin alpha 1a; minus strand). Cytogenetic location: 12q13.12.
Variant type: single nucleotide variant.
Coding change: c.273A>G on transcript NM_006009.4 (MANE Select); coding-DNA position 273, A replaced by G.
Protein change: p.Gln91=; no amino-acid change (glutamine 91 retained).
Molecular consequence: synonymous variant.
Genome position (GRCh38, 1-based): chr12:49,186,412, T>C on the plus strand (A>G on the coding strand, the complement: TUBA1A is on the minus strand). VCF-style: chr12-49186412-T-C. GRCh37 (hg19) VCF-style: chr12-49580195-T-C.
Other names: c.273A>G, p.Gln91= (NM_001270399.2); c.168A>G, p.Gln56= (NM_001270400.2).
Identifiers: ClinVar variation 212492 (VCV000212492.15), dbSNP rs765483435, ClinGen allele CA205585.